The following is an entry in ClinVar:

ClinVar aggregate classification (germline): Likely benign. Review status: criteria provided, multiple submitters, no conflicts (2 of 4 stars). 2 submissions from 2 submitters: Likely benign (2). Last evaluated 2025-10-24.

Submissions (2):

Labcorp Genetics (formerly Invitae), Labcorp
Classification: Likely benign. Last evaluated: 2025-10-24. Review status: criteria provided, single submitter. Criteria: Invitae Variant Classification Sherloc (09022015). Collection method: clinical testing. Allele origin: germline.

CeGaT Center for Human Genetics Tuebingen
Classification: Likely benign. Last evaluated: 2024-06-01. Review status: criteria provided, single submitter. Criteria: CeGaT Center For Human Genetics Tuebingen Variant Classification Criteria Version 2. Collection method: clinical testing. Allele origin: germline. Affected: yes. Observed: 1 variant allele.
Comment: IRF2BP2: BP4, BP7

NM_182972.3(IRF2BP2):c.618C>T (p.Gly206=)

Genes: IRF2BP2 (interferon regulatory factor 2 binding protein 2; minus strand), LOC129932811 (ATAC-STARR-seq lymphoblastoid silent region 1976; plus strand). Cytogenetic location: 1q42.3.
Variant type: single nucleotide variant.
Coding change: c.618C>T on transcript NM_182972.3 (MANE Select); coding-DNA position 618, C replaced by T.
Protein change: p.Gly206=; no amino-acid change (glycine 206 retained).
Molecular consequence: synonymous variant.
Genome position (GRCh38, 1-based): chr1:234,608,877, G>A on the plus strand (C>T on the coding strand, the complement: IRF2BP2 is on the minus strand). VCF-style: chr1-234608877-G-A. GRCh37 (hg19) VCF-style: chr1-234744623-G-A.
Other names: c.618C>T, p.Gly206= (NM_001077397.1).
Identifiers: ClinVar variation 1562861 (VCV001562861.26), dbSNP rs1392641986, ClinGen allele CA424050123.